The following is an entry in ClinVar:

NM_007294.4(BRCA1):c.296del (p.Leu99fs)

Gene: BRCA1 (BRCA1 DNA repair associated; minus strand). Cytogenetic location: 17q21.31.
Variant type: Deletion.
Coding change: c.296del on transcript NM_007294.4 (MANE Select); coding-DNA position 296, one base deleted (T; older notation c.296delT).
Protein change: p.Leu99fs; shifts the reading frame from leucine 99.
Molecular consequence: frameshift variant. On other transcripts: 5 prime UTR variant (7), intron variant (2), splice donor variant (3).
Genome position (GRCh38, 1-based): chr17:43,104,873, A deleted on the plus strand (T on the coding strand, the reverse complement: BRCA1 is on the minus strand); the first of 3 consecutive A bases (chr17:43,104,873-43,104,875); deleting any one gives the same sequence. VCF-style (leftmost placement, unchanged base first): chr17-43104872-CA-C. GRCh37 (hg19) VCF-style: chr17-41256889-CA-C.
Other names: c.155del, p.Leu52fs (NM_001407932.1, NM_001407933.1, NM_001407934.1 and 99 more transcripts); c.296del, p.Leu99fs (NM_001407937.1, NM_001407938.1, NM_001407939.1 and 164 more transcripts); c.86del, p.Leu29fs (NM_001407946.1, NM_001407947.1, NM_001407948.1 and 58 more transcripts); c.-86del (NM_001407959.1, NM_001407960.1, NM_001407962.1 and 4 more transcripts); c.218del, p.Leu73fs (NM_001408409.1, NM_001408411.1, NM_001408412.1 and 21 more transcripts); c.164del, p.Leu55fs (NM_001408451.1); c.294delT, p.Leu99Trpfs (NM_007304.2); c.-218-10013del (NM_001407967.1, NM_001407966.1); and 1 more; short protein forms L29fs, L55fs, L52fs, L73fs, L99fs.
Identifiers: ClinVar variation 2961610 (VCV002961610.3), dbSNP rs2552254053, ClinGen allele CA2740093751.

ClinVar aggregate classification (germline): Pathogenic (1 of 4 stars; one submission).

Conditions:
Hereditary breast ovarian cancer syndrome. Also called: Hereditary breast and ovarian cancer; Hereditary breast and ovarian cancer syndrome (HBOC); Breast and ovarian cancer; Hereditary breast and ovarian cancer syndrome; Hereditary breast and/or ovarian cancer syndrome; BRCA1- and BRCA2-Associated Hereditary Breast and Ovarian Cancer. Identifiers: Orphanet 145, MedGen C0677776, MeSH D061325, MONDO:0003582. Disease mechanism: loss of function.

Submission:

Labcorp Genetics (formerly Invitae), Labcorp
Classification: Pathogenic for Hereditary breast ovarian cancer syndrome. Last evaluated: 2023-12-11. Review status: criteria provided, single submitter. Criteria: Invitae Variant Classification Sherloc (09022015). Collection method: clinical testing. Allele origin: germline.
Comment: This sequence change creates a premature translational stop signal (p.Leu99Trpfs*20) in the BRCA1 gene. It is expected to result in an absent or disrupted protein product. Loss-of-function variants in BRCA1 are known to be pathogenic (PMID: 20104584). This variant is not present in population databases (gnomAD no frequency). This variant has not been reported in the literature in individuals affected with BRCA1-related conditions. For these reasons, this variant has been classified as Pathogenic.

Literature cited by the submitters: PubMed 20104584.